The following is an entry in ClinVar:

ClinVar aggregate classification (germline): Uncertain significance (1 of 4 stars; one submission).

Conditions:
Inborn genetic diseases. Identifiers: MedGen C0950123, MeSH D030342.

Submission:

Ambry Genetics
Classification: Uncertain significance for Inborn genetic diseases. Last evaluated: 2025-08-09. Review status: criteria provided, single submitter. Criteria: Ambry Variant Classification Scheme 2023. Collection method: clinical testing. Allele origin: germline.
Comment: The p.P93A variant (also known as c.277C>G), located in coding exon 2 of the ANKRD26 gene, results from a C to G substitution at nucleotide position 277. The proline at codon 93 is replaced by alanine, an amino acid with highly similar properties. This amino acid position is conserved. In addition, this alteration is predicted to be tolerated by in silico analysis. Based on the available evidence, the clinical significance of this variant remains unclear.

NM_014915.3(ANKRD26):c.277C>G (p.Pro93Ala)

Gene: ANKRD26 (ankyrin repeat domain containing 26; minus strand). Cytogenetic location: 10p12.1.
Variant type: single nucleotide variant.
Coding change: c.277C>G on transcript NM_014915.3 (MANE Select); coding-DNA position 277, C replaced by G.
Protein change: p.Pro93Ala; replaces proline 93 with alanine.
Molecular consequence: missense variant.
Genome position (GRCh38, 1-based): chr10:27,093,765, G>C on the plus strand (C>G on the coding strand, the complement: ANKRD26 is on the minus strand). VCF-style: chr10-27093765-G-C. GRCh37 (hg19) VCF-style: chr10-27382694-G-C.
Other names: c.277C>G, p.Pro93Ala (NM_001256053.2); short protein forms P93A.
Identifiers: ClinVar variation 4104112 (VCV004104112.1).